The following is an entry in ClinVar:

NM_198576.4(AGRN):c.*19C>T

Gene: AGRN (agrin; plus strand). Cytogenetic location: 1p36.33.
Variant type: single nucleotide variant.
Coding change: c.*19C>T on transcript NM_198576.4 (MANE Select); 19 bases downstream of the stop codon, C replaced by T.
Molecular consequence: 3 prime UTR variant.
Genome position (GRCh38, 1-based): chr1:1,055,000, C>T. VCF-style: chr1-1055000-C-T. GRCh37 (hg19) VCF-style: chr1-990380-C-T.
Other names: c.*19C>T (NM_001305275.2, NM_001364727.2).
Identifiers: ClinVar variation 263157 (VCV000263157.5), dbSNP rs3121561, ClinGen allele CA510341.

ClinVar aggregate classification (germline): Benign. Review status: criteria provided, multiple submitters, no conflicts (2 of 4 stars). 5 submissions from 5 submitters: Benign (5). Last evaluated 2024-11-26.

Conditions:
Congenital myasthenic syndrome 8. Also called: Myasthenic syndrome, congenital, 8, with pre- and postsynaptic defects; MYASTHENIC SYNDROME, CONGENITAL, DUE TO AGRIN DEFICIENCY. Identifiers: Orphanet 590, MedGen C3808739, MONDO:0014052, OMIM 615120.

Allele frequency attached by ClinVar (database versions not stated): gnomAD exomes 0.29082 and 0.29126; ExAC 0.33342; ESP Exome Variant Server 0.34176; 1000 Genomes Project 0.34345; 1000 Genomes Project 30x 0.34869; TOPMed 0.34928; gnomAD 0.35165 and 0.35770.

Submissions (5):

Blueprint Genetics
Classification: Benign. Last evaluated: 2024-11-26. Review status: criteria provided, single submitter. Criteria: ACMG Guidelines, 2015. Collection method: clinical testing. Allele origin: germline.

Genome-Nilou Lab
Classification: Benign for Congenital myasthenic syndrome 8. Last evaluated: 2023-04-11. Review status: criteria provided, single submitter. Criteria: ACMG Guidelines, 2015. Collection method: clinical testing. Allele origin: germline. Affected: no.

GeneDx
Classification: Benign. Last evaluated: 2016-02-01. Review status: criteria provided, single submitter. Criteria: GeneDx Variant Classification (06012015). Collection method: clinical testing. Allele origin: germline. Affected: yes.
Comment: This variant is considered likely benign or benign based on one or more of the following criteria: it is a conservative change, it occurs at a poorly conserved position in the protein, it is predicted to be benign by multiple in silico algorithms, and/or has population frequency not consistent with disease.

Breakthrough Genomics
Classification: Benign. Review status: criteria provided, single submitter. Criteria: ACMG Guidelines, 2015. Collection method: not provided. Allele origin: germline. Inheritance: Autosomal recessive inheritance. Affected: yes.

PreventionGenetics, part of Exact Sciences
Classification: Benign. Review status: criteria provided, single submitter. Criteria: ACMG Guidelines, 2015. Collection method: clinical testing. Allele origin: germline.